The following is an entry in ClinVar:

ClinVar aggregate classification (germline): Uncertain significance (1 of 4 stars; one submission).

Conditions:
Inborn genetic diseases. Identifiers: MedGen C0950123, MeSH D030342.

Submission:

Ambry Genetics
Classification: Uncertain significance for Inborn genetic diseases. Last evaluated: 2026-06-17. Review status: criteria provided, single submitter. Criteria: Ambry Variant Classification Scheme 2023. Collection method: clinical testing. Allele origin: germline.
Comment: The p.P1166Q variant (also known as c.3497C>A), located in coding exon 32 of the RTEL1 gene, results from a C to A substitution at nucleotide position 3497. The proline at codon 1166 is replaced by glutamine, an amino acid with similar properties. This amino acid position is conserved. In addition, this alteration is predicted to be tolerated by in silico analysis. Based on the available evidence, the clinical significance of this variant remains unclear.

NM_001283009.2(RTEL1):c.3497C>A (p.Pro1166Gln)

Genes: RTEL1 (regulator of telomere elongation helicase 1; plus strand), RTEL1-TNFRSF6B (RTEL1-TNFRSF6B readthrough (NMD candidate); plus strand). Cytogenetic location: 20q13.33.
Variant type: single nucleotide variant.
Coding change: c.3497C>A on transcript NM_001283009.2 (MANE Select); coding-DNA position 3497, C replaced by A.
Protein change: p.Pro1166Gln; replaces proline 1166 with glutamine.
Molecular consequence: missense variant. On other transcripts: non-coding transcript variant (1).
Genome position (GRCh38, 1-based): chr20:63,695,219, C>A. VCF-style: chr20-63695219-C-A. GRCh37 (hg19) VCF-style: chr20-62326572-C-A.
Other names: c.2828C>A, p.Pro943Gln (NM_001283010.1); c.3497C>A, p.Pro1166Gln (NM_016434.4); c.3569C>A, p.Pro1190Gln (NM_032957.5); short protein forms P943Q, P1166Q, P1190Q.
Identifiers: ClinVar variation 5028458 (VCV005028458.1).